The following is an entry in ClinVar:

NM_006904.7(PRKDC):c.7810C>G (p.Pro2604Ala)

Gene: PRKDC (protein kinase, DNA-activated, catalytic subunit; minus strand). Cytogenetic location: 8q11.21.
Variant type: single nucleotide variant.
Coding change: c.7810C>G on transcript NM_006904.7 (MANE Select); coding-DNA position 7810, C replaced by G.
Protein change: p.Pro2604Ala; replaces proline 2604 with alanine.
Molecular consequence: missense variant.
Genome position (GRCh38, 1-based): chr8:47,836,479, G>C on the plus strand (C>G on the coding strand, the complement: PRKDC is on the minus strand). VCF-style: chr8-47836479-G-C. GRCh37 (hg19) VCF-style: chr8-48749040-G-C.
Other names: c.7810C>G, p.Pro2604Ala (NM_001081640.2); short protein forms P2604A.
Identifiers: ClinVar variation 2118988 (VCV002118988.4), dbSNP rs2551867352, ClinGen allele CA371151221.

ClinVar aggregate classification (germline): Uncertain significance (1 of 4 stars; one submission).

Conditions:
Severe combined immunodeficiency due to DNA-PKcs deficiency. Also called: IMMUNODEFICIENCY 26 WITH NEUROLOGIC ABNORMALITIES; Immunodeficiency 26 with or without neurologic abnormalities. Identifiers: Orphanet 317425, MedGen C4014833, MONDO:0014423, OMIM 615966.

Submission:

Labcorp Genetics (formerly Invitae), Labcorp
Classification: Uncertain significance for Severe combined immunodeficiency due to DNA-PKcs deficiency. Last evaluated: 2022-03-28. Review status: criteria provided, single submitter. Criteria: Invitae Variant Classification Sherloc (09022015). Collection method: clinical testing. Allele origin: germline.
Comment: In summary, the available evidence is currently insufficient to determine the role of this variant in disease. Therefore, it has been classified as a Variant of Uncertain Significance. This sequence change replaces proline, which is neutral and non-polar, with alanine, which is neutral and non-polar, at codon 2604 of the PRKDC protein (p.Pro2604Ala). This variant is not present in population databases (gnomAD no frequency). This variant has not been reported in the literature in individuals affected with PRKDC-related conditions. Experimental studies and prediction algorithms are not available or were not evaluated, and the functional significance of this variant is currently unknown.